The following is an entry in ClinVar:

ClinVar aggregate classification (germline): Likely benign. Review status: criteria provided, multiple submitters, no conflicts (2 of 4 stars). 2 submissions from 2 submitters: Likely benign (2). Last evaluated 2025-10-06.

Conditions:
Autosomal recessive limb-girdle muscular dystrophy type 2J (LGMDR10). Also called: MUSCULAR DYSTROPHY, LIMB-GIRDLE, AUTOSOMAL RECESSIVE 10; Limb-girdle muscular dystrophy, type 2J. Identifiers: Orphanet 140922, MedGen C1837342, MONDO:0012127, OMIM 608807.
Dilated cardiomyopathy 1G (CMD1G). Identifiers: Orphanet 154, MedGen C1858763, MONDO:0011400, OMIM 604145.

Allele frequency attached by ClinVar (database versions not stated): gnomAD 0.00001; gnomAD exomes 0.00001 and 0.00004; TOPMed 0.00002; ExAC 0.00006; ESP Exome Variant Server 0.00016.
gnomAD v4.1: 19 of 1,613,282 alleles (0.0012%); highest among the groups gnomAD compares: African/African-American, 0.0027%; no homozygotes.

Submissions (2):

Labcorp Genetics (formerly Invitae), Labcorp
Classification: Likely benign for Dilated cardiomyopathy 1G; Autosomal recessive limb-girdle muscular dystrophy type 2J. Last evaluated: 2025-10-06. Review status: criteria provided, single submitter. Criteria: Invitae Variant Classification Sherloc (09022015). Collection method: clinical testing. Allele origin: germline.

GeneDx
Classification: Likely benign. Last evaluated: 2017-03-07. Review status: criteria provided, single submitter. Criteria: GeneDx Variant Classification (06012015). Collection method: clinical testing. Allele origin: germline. Affected: yes.
Comment: This variant is considered likely benign or benign based on one or more of the following criteria: it is a conservative change, it occurs at a poorly conserved position in the protein, it is predicted to be benign by multiple in silico algorithms, and/or has population frequency not consistent with disease.

NM_001267550.2(TTN):c.74982G>A (p.Pro24994=)

Genes: TTN-AS1 (TTN antisense RNA 1; plus strand), TTN (titin; minus strand). Cytogenetic location: 2q31.2.
Variant type: single nucleotide variant.
Coding change: c.74982G>A on transcript NM_001267550.2 (MANE Select); coding-DNA position 74982, G replaced by A.
Protein change: p.Pro24994=; no amino-acid change (proline 24994 retained).
Molecular consequence: synonymous variant.
Genome position (GRCh38, 1-based): chr2:178,571,150, C>T on the plus strand (G>A on the coding strand, the complement: TTN is on the minus strand). VCF-style: chr2-178571150-C-T. GRCh37 (hg19) VCF-style: chr2-179435877-C-T.
Other names: c.70059G>A, p.Pro23353= (NM_001256850.1); c.47787G>A, p.Pro15929= (NM_003319.4); c.67278G>A, p.Pro22426= (NM_133378.4); c.48162G>A, p.Pro16054= (NM_133432.3); c.48363G>A, p.Pro16121= (NM_133437.4).
Identifiers: ClinVar variation 516253 (VCV000516253.10), dbSNP rs375232524, ClinGen allele CA1990118.